The following is an entry in ClinVar:

NM_004186.5(SEMA3F):c.2199G>T (p.Leu733=)

Gene: SEMA3F (semaphorin 3F; plus strand). Cytogenetic location: 3p21.31.
Variant type: single nucleotide variant.
Coding change: c.2199G>T on transcript NM_004186.5 (MANE Select); coding-DNA position 2199, G replaced by T.
Protein change: p.Leu733=; no amino-acid change (leucine 733 retained).
Molecular consequence: synonymous variant.
Genome position (GRCh38, 1-based): chr3:50,187,956, G>T. VCF-style: chr3-50187956-G-T. GRCh37 (hg19) VCF-style: chr3-50225389-G-T.
Other names: c.1902G>T, p.Leu634= (NM_001318798.2); c.2106G>T, p.Leu702= (NM_001318800.2).
Identifiers: ClinVar variation 2653855 (VCV002653855.24), dbSNP rs140809943, ClinGen allele CA2412369.

ClinVar aggregate classification (germline): Likely benign (1 of 4 stars; one submission).

Allele frequency attached by ClinVar (database versions not stated): ESP Exome Variant Server 0.00085; gnomAD exomes 0.00085; 1000 Genomes Project 0.00100; gnomAD 0.00114; TOPMed 0.00130; 1000 Genomes Project 30x 0.00141; ExAC 0.00161.
gnomAD v4.1: 1,510 of 1,608,814 alleles (0.094%); highest among the groups gnomAD compares: Middle Eastern, 0.83%; 6 homozygotes.

Submission:

CeGaT Center for Human Genetics Tuebingen
Classification: Likely benign. Last evaluated: 2022-08-01. Review status: criteria provided, single submitter. Criteria: CeGaT Center For Human Genetics Tuebingen Variant Classification Criteria Version 2. Collection method: clinical testing. Allele origin: germline. Affected: yes. Observed: 1 variant allele.
Comment: SEMA3F: BP4, BP7